The following is an entry in ClinVar:

ClinVar aggregate classification (germline): Likely benign. Review status: criteria provided, multiple submitters, no conflicts (2 of 4 stars). 4 submissions from 4 submitters: Likely benign (4). Last evaluated 2025-10-01.

Conditions:
Arrhythmogenic right ventricular dysplasia 5. Also called: Arrhythmogenic Right Ventricular Dysplasia/Cardiomyopathy 5; ARRHYTHMOGENIC RIGHT VENTRICULAR DYSPLASIA, FAMILIAL, 5. Identifiers: MedGen C1858379, MONDO:0011459, OMIM 604400.
Cardiomyopathy (CMYO). Also called: Cardiomyopathies. Identifiers: Orphanet 167848, MedGen C0878544, MONDO:0004994, HP:0001638. Inheritance: Various modes of inheritance.
Cardiovascular phenotype. Identifiers: MedGen CN230736.

Allele frequency attached by ClinVar (database versions not stated): TOPMed 0.00001; ESP Exome Variant Server 0.00008.
gnomAD v4.1: 4 of 1,614,168 alleles (0.00025%); highest among the groups gnomAD compares: Non-Finnish European, 0.00025%; no homozygotes.

Submissions (4):

Ambry Genetics
Classification: Likely benign for Cardiovascular phenotype. Last evaluated: 2025-10-01. Review status: criteria provided, single submitter. Criteria: Ambry Variant Classification Scheme 2023. Collection method: clinical testing. Allele origin: germline.

All of Us Research Program, National Institutes of Health
Classification: Likely benign for Arrhythmogenic right ventricular dysplasia 5. Last evaluated: 2024-09-23. Review status: criteria provided, single submitter. Criteria: ACMG Guidelines, 2015. Collection method: clinical testing. Allele origin: germline. Inheritance: Autosomal dominant inheritance. Observed: 1 variant allele, 1 heterozygote.
Comment: This study involves interpretation of variants in research participants for the purpose of population health screening. Participant phenotype was not available at the time of variant classification. Additional details can be found in publication PMID: 35346344, PMCID: PMC8962531

Labcorp Genetics (formerly Invitae), Labcorp
Classification: Likely benign for Arrhythmogenic right ventricular dysplasia 5. Last evaluated: 2024-04-19. Review status: criteria provided, single submitter. Criteria: Invitae Variant Classification Sherloc (09022015). Collection method: clinical testing. Allele origin: germline.

Color Diagnostics, LLC DBA Color Health
Classification: Likely benign for Cardiomyopathy. Last evaluated: 2019-07-15. Review status: criteria provided, single submitter. Criteria: ACMG Guidelines, 2015. Collection method: clinical testing. Allele origin: germline.

NM_024334.3(TMEM43):c.645T>C (p.His215=)

Gene: TMEM43 (transmembrane protein 43; plus strand). Cytogenetic location: 3p25.1.
Variant type: single nucleotide variant.
Coding change: c.645T>C on transcript NM_024334.3 (MANE Select); coding-DNA position 645, T replaced by C.
Protein change: p.His215=; no amino-acid change (histidine 215 retained).
Molecular consequence: synonymous variant.
Genome position (GRCh38, 1-based): chr3:14,134,831, T>C. VCF-style: chr3-14134831-T-C. GRCh37 (hg19) VCF-style: chr3-14176331-T-C.
Identifiers: ClinVar variation 414171 (VCV000414171.17), dbSNP rs370782259, ClinGen allele CA16611150.